The following is an entry in ClinVar:

NM_000535.7(PMS2):c.1211del (p.Pro404fs)

Gene: PMS2 (PMS1 homolog 2, mismatch repair system component; minus strand). Cytogenetic location: 7p22.1.
Variant type: Deletion.
Coding change: c.1211del on transcript NM_000535.7 (MANE Select); coding-DNA position 1211, one base deleted (C; older notation c.1211delC).
Protein change: p.Pro404fs; shifts the reading frame from proline 404.
Molecular consequence: frameshift variant. On other transcripts: non-coding transcript variant (1), intron variant (1).
Genome position (GRCh38, 1-based): chr7:5,987,554, G deleted on the plus strand (C on the coding strand, the reverse complement: PMS2 is on the minus strand); the first of 4 consecutive G bases (chr7:5,987,554-5,987,557); deleting any one gives the same sequence. VCF-style (leftmost placement, unchanged base first): chr7-5987553-AG-A. GRCh37 (hg19) VCF-style: chr7-6027184-AG-A.
Other names: c.803delC, p.Pro269Leufs (NM_001018040.1); c.806del, p.Pro269fs (NM_001322003.2, NM_001322004.2, NM_001322005.2 and 16 more transcripts); c.1055del, p.Pro352fs (NM_001322006.2, NM_001406870.1); c.893del, p.Pro298fs (NM_001322007.2, NM_001322008.2, NM_001406876.1 and 2 more transcripts); c.650del, p.Pro217fs (NM_001322010.2, NM_001406906.1, NM_001406907.1); c.278del, p.Pro93fs (NM_001322011.2, NM_001322012.2); c.638del, p.Pro213fs (NM_001322013.2, NM_001406909.1); c.1211del, p.Pro404fs (NM_001322014.2, NM_001406871.1, NM_001406872.1); and 14 more; short protein forms P147fs, P213fs, P217fs, P233fs, P246fs, P249fs, P269fs, P282fs.
Identifiers: ClinVar variation 2674242 (VCV002674242.1), dbSNP rs2128736116, ClinGen allele CA2695198454.
Genomic context (GRCh38, chr7:5,987,553, plus strand): 5'-AAAGGCCTCTCGCAGTCTGGAAATGGACACGTCTTTTTTTTCTTCTCCAGTCCTTAATGA[AG>A]GGGATTGATCCTGCTTTTCTACCATGGGCTTTTCCAAATCCGCTGCATGCATTTTTATTA-3'

ClinVar aggregate classification (germline): Pathogenic (1 of 4 stars; one submission).

Conditions:
Lynch syndrome 4 (LYNCH4). Also called: Hereditary non-polyposis colorectal cancer, type 4; Colorectal cancer, hereditary nonpolyposis, type 4. Identifiers: Orphanet 144, MedGen C1838333, MONDO:0013699, OMIM 614337. Disease mechanism: loss of function.

Submission:

Myriad Genetics, Inc.
Classification: Pathogenic for Lynch syndrome 4. Last evaluated: 2023-09-20. Review status: criteria provided, single submitter. Criteria: Myriad Autosomal Dominant, Autosomal Recessive and X-Linked Classification Criteria (2023). Collection method: clinical testing. Allele origin: unknown.
Comment: This variant is considered pathogenic. This variant creates a frameshift predicted to result in premature protein truncation.